The following is an entry in ClinVar:

ClinVar aggregate classification (germline): Uncertain significance. Review status: criteria provided, multiple submitters, no conflicts (2 of 4 stars). 3 submissions from 3 submitters: Uncertain significance (3). Last evaluated 2026-08-12.

Conditions:
Autosomal dominant intellectual disability-craniofacial anomalies-cardiac defects syndrome (ARTHS). Also called: KAT6A syndrome; Arboleda-Tham syndrome; Mental retardation, autosomal dominant 32. Identifiers: Orphanet 457193, MedGen C4225396, MONDO:0014558, OMIM 616268.
Inborn genetic diseases. Identifiers: MedGen C0950123, MeSH D030342.

Allele frequency attached by ClinVar (database versions not stated): gnomAD 0.00001; gnomAD exomes below 0.00001; TOPMed 0.00001.
gnomAD v4.1: 5 of 1,614,040 alleles (0.00031%); highest among the groups gnomAD compares: Non-Finnish European, 0.00042%; no homozygotes.

Submissions (3):

Ambry Genetics
Classification: Uncertain significance for Inborn genetic diseases. Last evaluated: 2026-08-12. Review status: criteria provided, single submitter. Criteria: Ambry Variant Classification Scheme 2023. Collection method: clinical testing. Allele origin: germline.
Comment: The c.4633G>A (p.V1545M) alteration is located in exon 17 (coding exon 16) of the KAT6A gene. This alteration results from a G to A substitution at nucleotide position 4633, causing the valine (V) at amino acid position 1545 to be replaced by a methionine (M). Based on data from gnomAD, the A allele has an overall frequency of <0.001% (1/251444) total alleles studied. The highest observed frequency was 0.001% (1/113762) of European (non-Finnish) alleles. Based on insufficient or conflicting evidence, the clinical significance of this alteration remains unclear.

Clinical Genomics Laboratory, Washington University in St. Louis
Classification: Uncertain significance for Autosomal dominant intellectual disability-craniofacial anomalies-cardiac defects syndrome. Last evaluated: 2026-04-14. Review status: criteria provided, single submitter. Criteria: ACMG Guidelines, 2015. Collection method: clinical testing. Allele origin: germline.
Comment: The KAT6A c.4633G>A (p.Val1545Met) variant, to our knowledge, has not been reported in the medical literature. This variant is only observed in 1/251,444 alleles in the general population (gnomAD v2.1.1), indicating it is not a common variant. This variant has been reported in the ClinVar database as a germline variant of uncertain significance by one submitter. Computational predictors are uncertain as to the impact of this variant on KAT6A function. Due to limited information, and based on ACMG/AMP guidelines for variant interpretation (Richards S et al., PMID: 25741868), the clinical significance of this variant is uncertain at this time.

Labcorp Genetics (formerly Invitae), Labcorp
Classification: Uncertain significance. Last evaluated: 2024-01-10. Review status: criteria provided, single submitter. Criteria: Invitae Variant Classification Sherloc (09022015). Collection method: clinical testing. Allele origin: germline.
Comment: This sequence change replaces valine, which is neutral and non-polar, with methionine, which is neutral and non-polar, at codon 1545 of the KAT6A protein (p.Val1545Met). This variant is present in population databases (no rsID available, gnomAD 0.0009%). This variant has not been reported in the literature in individuals affected with KAT6A-related conditions. ClinVar contains an entry for this variant (Variation ID: 2417209). Experimental studies and prediction algorithms are not available or were not evaluated, and the functional significance of this variant is currently unknown. In summary, the available evidence is currently insufficient to determine the role of this variant in disease. Therefore, it has been classified as a Variant of Uncertain Significance.

NM_006766.5(KAT6A):c.4633G>A (p.Val1545Met)

Gene: KAT6A (lysine acetyltransferase 6A; minus strand). Cytogenetic location: 8p11.21.
Variant type: single nucleotide variant.
Coding change: c.4633G>A on transcript NM_006766.5 (MANE Select); coding-DNA position 4633, G replaced by A.
Protein change: p.Val1545Met; replaces valine 1545 with methionine.
Molecular consequence: missense variant.
Genome position (GRCh38, 1-based): chr8:41,933,587, C>T on the plus strand (G>A on the coding strand, the complement: KAT6A is on the minus strand). VCF-style: chr8-41933587-C-T. GRCh37 (hg19) VCF-style: chr8-41791105-C-T.
Other names: c.4633G>A (NM_006766.3); short protein forms V1545M.
Identifiers: ClinVar variation 2417209 (VCV002417209.8), dbSNP rs1208323512, ClinGen allele CA371065212.
Genomic context (GRCh38, chr8:41,933,587, plus strand): 5'-TCTCATAGTTTTCAGTGGTGCTCTCAATGCTGCCCAGGTCACTGAAGCCGCTGTCCACCA[C>T]CTGCTGAGAGTGGTCTGATACGGAAGGCACATCCATCATGGGGCTGGTCTCCATGTTCTG-3'
Protein context (NP_006757.2, residues 1535-1555): VPSVSDHSQQ[Val1545Met]VDSGFSDLGS